The following is an entry in ClinVar:

NM_018105.3(THAP1):c.464A>C (p.Gln155Pro)

Gene: THAP1 (THAP domain containing 1; minus strand). Cytogenetic location: 8p11.21.
Variant type: single nucleotide variant.
Coding change: c.464A>C on transcript NM_018105.3 (MANE Select); coding-DNA position 464, A replaced by C.
Protein change: p.Gln155Pro; replaces glutamine 155 with proline.
Molecular consequence: missense variant. On other transcripts: 3 prime UTR variant (1).
Genome position (GRCh38, 1-based): chr8:42,838,140, T>G on the plus strand (A>C on the coding strand, the complement: THAP1 is on the minus strand). VCF-style: chr8-42838140-T-G. GRCh37 (hg19) VCF-style: chr8-42693283-T-G.
Other names: c.*106A>C (NM_199003.2); short protein forms Q155P.
Identifiers: ClinVar variation 1960712 (VCV001960712.5), dbSNP rs2487026890, ClinGen allele CA371106991.

ClinVar aggregate classification (germline): Uncertain significance (1 of 4 stars; one submission).

Conditions:
Torsion dystonia 6 (DYT6). Also called: DYT-THAP1. Identifiers: Orphanet 98806, MedGen C1414216, MONDO:0011264, OMIM 602629.

Submission:

Labcorp Genetics (formerly Invitae), Labcorp
Classification: Uncertain significance for Torsion dystonia 6. Last evaluated: 2022-05-25. Review status: criteria provided, single submitter. Criteria: Invitae Variant Classification Sherloc (09022015). Collection method: clinical testing. Allele origin: germline.
Comment: In summary, the available evidence is currently insufficient to determine the role of this variant in disease. Therefore, it has been classified as a Variant of Uncertain Significance. Algorithms developed to predict the effect of missense changes on protein structure and function are either unavailable or do not agree on the potential impact of this missense change (SIFT: "Tolerated"; PolyPhen-2: "Probably Damaging"; Align-GVGD: "Class C0"). This variant has not been reported in the literature in individuals affected with THAP1-related conditions. This variant is not present in population databases (gnomAD no frequency). This sequence change replaces glutamine, which is neutral and polar, with proline, which is neutral and non-polar, at codon 155 of the THAP1 protein (p.Gln155Pro).